The following is an entry in ClinVar:

NM_016341.4(PLCE1):c.1994A>C (p.Gln665Pro)

Gene: PLCE1 (phospholipase C epsilon 1; plus strand). Cytogenetic location: 10q23.33.
Variant type: single nucleotide variant.
Coding change: c.1994A>C on transcript NM_016341.4 (MANE Select); coding-DNA position 1994, A replaced by C.
Protein change: p.Gln665Pro; replaces glutamine 665 with proline.
Molecular consequence: missense variant.
Genome position (GRCh38, 1-based): chr10:94,234,092, A>C. VCF-style: chr10-94234092-A-C. GRCh37 (hg19) VCF-style: chr10-95993849-A-C.
Other names: c.1070A>C, p.Gln357Pro (NM_001165979.2); c.1994A>C, p.Gln665Pro (NM_001288989.2); short protein forms Q665P, Q357P.
Identifiers: ClinVar variation 2072918 (VCV002072918.1), dbSNP rs1205637132, ClinGen allele CA377638888.

ClinVar aggregate classification (germline): Uncertain significance (1 of 4 stars; one submission).

Allele frequency attached by ClinVar (database versions not stated): TOPMed below 0.00001; gnomAD 0.00001.
gnomAD v4.1: 4 of 1,613,728 alleles (0.00025%); highest among the groups gnomAD compares: Admixed American, 0.0033%; no homozygotes.

Submission:

Labcorp Genetics (formerly Invitae), Labcorp
Classification: Uncertain significance. Last evaluated: 2022-09-27. Review status: criteria provided, single submitter. Criteria: Invitae Variant Classification Sherloc (09022015). Collection method: clinical testing. Allele origin: germline.
Comment: This sequence change replaces glutamine, which is neutral and polar, with proline, which is neutral and non-polar, at codon 665 of the PLCE1 protein (p.Gln665Pro). This variant is not present in population databases (gnomAD no frequency). This variant has not been reported in the literature in individuals affected with PLCE1-related conditions. Advanced modeling of protein sequence and biophysical properties (such as structural, functional, and spatial information, amino acid conservation, physicochemical variation, residue mobility, and thermodynamic stability) performed at Invitae indicates that this missense variant is not expected to disrupt PLCE1 protein function. In summary, the available evidence is currently insufficient to determine the role of this variant in disease. Therefore, it has been classified as a Variant of Uncertain Significance.